The following is an entry in ClinVar:

ClinVar aggregate classification (germline): Uncertain significance (1 of 4 stars; one submission).

Conditions:
Epidermolysis bullosa simplex 5C, with pyloric atresia (EBS5C). Also called: PLEC-Related Epidermolysis Bullosa with Pyloric Atresia; Epidermolysis bullosa simplex with pyloric atresia; PLEC1-Related Epidermolysis Bullosa with Pyloric Atresia. Identifiers: Orphanet 158684, MedGen C2677349, MONDO:0012807, OMIM 612138.
Epidermolysis bullosa simplex 5B, with muscular dystrophy (EBS5B). Also called: EPIDERMOLYSIS BULLOSA SIMPLEX AND LIMB-GIRDLE MUSCULAR DYSTROPHY; Epidermolysis bullosa simplex with muscular dystrophy. Identifiers: Orphanet 257, MedGen C2931072, MONDO:0009181, OMIM 226670.
Epidermolysis bullosa simplex, Ogna type (EBS5A). Also called: Pidermolysis bullosa simplex 5A, Ogna type; EPIDERMOLYSIS BULLOSA SIMPLEX 5A, OGNA TYPE. Identifiers: Orphanet 79401, MedGen C0432317, MONDO:0007555, OMIM 131950.
Autosomal recessive limb-girdle muscular dystrophy type 2Q (LGMDR17). Also called: MUSCULAR DYSTROPHY, LIMB-GIRDLE, AUTOSOMAL RECESSIVE 17. Identifiers: Orphanet 254361, MedGen C3150989, MONDO:0013390, OMIM 613723.
Epidermolysis bullosa simplex with nail dystrophy (EBS5D). Identifiers: MedGen C4225309, MONDO:0014661, OMIM 616487.

Submission:

Labcorp Genetics (formerly Invitae), Labcorp
Classification: Uncertain significance for Autosomal recessive limb-girdle muscular dystrophy type 2Q; Epidermolysis bullosa simplex, Ogna type; Epidermolysis bullosa simplex with nail dystrophy; Epidermolysis bullosa simplex 5C, with pyloric atresia; Epidermolysis bullosa simplex 5B, with muscular dystrophy. Last evaluated: 2022-10-13. Review status: criteria provided, single submitter. Criteria: Invitae Variant Classification Sherloc (09022015). Collection method: clinical testing. Allele origin: germline.
Comment: This sequence change replaces valine, which is neutral and non-polar, with glutamic acid, which is acidic and polar, at codon 1429 of the PLEC protein (p.Val1429Glu). This variant is not present in population databases (gnomAD no frequency). This variant has not been reported in the literature in individuals affected with PLEC-related conditions. ClinVar contains an entry for this variant (Variation ID: 1375244). Algorithms developed to predict the effect of missense changes on protein structure and function are either unavailable or do not agree on the potential impact of this missense change (SIFT: "Tolerated"; PolyPhen-2: "Not Available"; Align-GVGD: "Class C0"). In summary, the available evidence is currently insufficient to determine the role of this variant in disease. Therefore, it has been classified as a Variant of Uncertain Significance.

NM_201384.3(PLEC):c.4205T>A (p.Val1402Glu)

Gene: PLEC (plectin; minus strand). Cytogenetic location: 8q24.3.
Variant type: single nucleotide variant.
Coding change: c.4205T>A on transcript NM_201384.3 (MANE Select); coding-DNA position 4205, T replaced by A.
Protein change: p.Val1402Glu; replaces valine 1402 with glutamic acid.
Molecular consequence: missense variant.
Genome position (GRCh38, 1-based): chr8:143,925,724, A>T on the plus strand (T>A on the coding strand, the complement: PLEC is on the minus strand). VCF-style: chr8-143925724-A-T. GRCh37 (hg19) VCF-style: chr8-144999892-A-T.
Other names: c.4286T>A, p.Val1429Glu (NM_000445.5); c.4163T>A, p.Val1388Glu (NM_201378.4); c.4139T>A, p.Val1380Glu (NM_201379.3); c.4616T>A, p.Val1539Glu (NM_201380.4); c.4109T>A, p.Val1370Glu (NM_201381.3); c.4205T>A, p.Val1402Glu (NM_201382.4); c.4217T>A, p.Val1406Glu (NM_201383.3); short protein forms V1388E, V1402E, V1539E, V1370E, V1380E, V1406E, V1429E.
Identifiers: ClinVar variation 1375244 (VCV001375244.6), dbSNP rs1824886402, ClinGen allele CA372560513.